The following is an entry in ClinVar:

NM_022552.5(DNMT3A):c.2419T>A (p.Ser807Thr)

Gene: DNMT3A (DNA methyltransferase 3 alpha; minus strand). Cytogenetic location: 2p23.3.
Variant type: single nucleotide variant.
Coding change: c.2419T>A on transcript NM_022552.5 (MANE Select); coding-DNA position 2419, T replaced by A.
Protein change: p.Ser807Thr; replaces serine 807 with threonine.
Molecular consequence: missense variant. On other transcripts: non-coding transcript variant (1).
Genome position (GRCh38, 1-based): chr2:25,236,995, A>T on the plus strand (T>A on the coding strand, the complement: DNMT3A is on the minus strand). VCF-style: chr2-25236995-A-T. GRCh37 (hg19) VCF-style: chr2-25459864-A-T.
Other names: c.1963T>A, p.Ser655Thr (NM_001320893.1); c.1750T>A, p.Ser584Thr (NM_001375819.1); c.1852T>A, p.Ser618Thr (NM_153759.3); c.2419T>A, p.Ser807Thr (NM_175629.2); short protein forms S807T, S618T, S655T, S584T.
Identifiers: ClinVar variation 3841761 (VCV003841761.1).

ClinVar aggregate classification (germline): Uncertain significance (1 of 4 stars; one submission).

Conditions:
Inborn genetic diseases. Identifiers: MedGen C0950123, MeSH D030342.

Submission:

Ambry Genetics
Classification: Uncertain significance for Inborn genetic diseases. Last evaluated: 2025-01-14. Review status: criteria provided, single submitter. Criteria: Ambry Variant Classification Scheme 2023. Collection method: clinical testing. Allele origin: germline.
Comment: The p.S807T variant (also known as c.2419T>A), located in coding exon 20 of the DNMT3A gene, results from a T to A substitution at nucleotide position 2419. The serine at codon 807 is replaced by threonine, an amino acid with similar properties. This amino acid position is conserved. In addition, the in silico prediction for this alteration is inconclusive. Based on the available evidence, the clinical significance of this variant remains unclear.